The following is an entry in ClinVar:

NM_014159.7(SETD2):c.683C>T (p.Pro228Leu)

Gene: SETD2 (SET domain containing 2, histone lysine methyltransferase; minus strand). Cytogenetic location: 3p21.31.
Variant type: single nucleotide variant.
Coding change: c.683C>T on transcript NM_014159.7 (MANE Select); coding-DNA position 683, C replaced by T.
Protein change: p.Pro228Leu; replaces proline 228 with leucine.
Molecular consequence: missense variant. On other transcripts: non-coding transcript variant (1).
Genome position (GRCh38, 1-based): chr3:47,123,953, G>A on the plus strand (C>T on the coding strand, the complement: SETD2 is on the minus strand). VCF-style: chr3-47123953-G-A. GRCh37 (hg19) VCF-style: chr3-47165443-G-A.
Other names: c.551C>T, p.Pro184Leu (NM_001349370.3); short protein forms P184L, P228L.
Identifiers: ClinVar variation 1029249 (VCV001029249.2), dbSNP rs780263835, ClinGen allele CA352535452.

ClinVar aggregate classification (germline): Uncertain significance. Review status: criteria provided, multiple submitters, no conflicts (2 of 4 stars). 2 submissions from 2 submitters: Uncertain significance (2). Last evaluated 2025-04-26.

Conditions:
SETD2-related disorder.
Luscan-Lumish syndrome. Identifiers: Orphanet 597738, MedGen C4085873, MONDO:0014791, OMIM 616831.

Submissions (2):

PreventionGenetics, part of Exact Sciences
Classification: Uncertain significance for SETD2-related condition. Last evaluated: 2025-04-26. Review status: criteria provided, single submitter. Criteria: ACMG Guidelines, 2015. Collection method: clinical testing. Allele origin: germline.
Comment: The SETD2 c.683C>T variant is predicted to result in the amino acid substitution p.Pro228Leu. To our knowledge, this variant has not been reported in the literature or in a large population database (gnomAD), indicating this variant is rare. At this time, the clinical significance of this variant is uncertain due to the absence of conclusive functional and genetic evidence.

Baylor Genetics
Classification: Uncertain significance for Luscan-Lumish syndrome. Last evaluated: 2020-04-21. Review status: criteria provided, single submitter. Criteria: ACMG Guidelines, 2015. Collection method: clinical testing. Allele origin: unknown. Affected: yes.
Comment: This variant was determined to be of uncertain significance according to ACMG Guidelines, 2015 [PMID:25741868].